The following is an entry in ClinVar:

ClinVar aggregate classification (germline): Pathogenic. Review status: criteria provided, multiple submitters, no conflicts (2 of 4 stars). 2 submissions from 2 submitters: Pathogenic (2). Last evaluated 2025-04-04.

Conditions:
Autosomal recessive limb-girdle muscular dystrophy. Identifiers: Orphanet 102015, MedGen C2931907, MONDO:0015152.
Neuromuscular disease caused by qualitative or quantitative defects of dysferlin. Also called: Qualitative or quantitative defects of dysferlin; Dysferlinopathy. Identifiers: Orphanet 207073, MedGen C2931687, MONDO:0016145.

Submissions (2):

Myriad Genetics, Inc.
Classification: Pathogenic for Autosomal recessive limb-girdle muscular dystrophy. Last evaluated: 2025-04-04. Review status: criteria provided, single submitter. Criteria: Myriad Autosomal Dominant, Autosomal Recessive and X-Linked Classification Criteria (2023). Collection method: clinical testing. Allele origin: unknown.
Comment: NM_003494.3(DYSF):c.95delA(K32Rfs*11) is expected to be pathogenic in the context of dysferlinopathy. This variant is predicted to lead to an abnormal or absent protein product due to the creation of a premature termination codon in DYSF, a gene where loss-of-function variants are known to be pathogenic. Please note: this variant was assessed in the context of healthy population screening.

Labcorp Genetics (formerly Invitae), Labcorp
Classification: Pathogenic for Neuromuscular disease caused by qualitative or quantitative defects of dysferlin. Last evaluated: 2023-06-05. Review status: criteria provided, single submitter. Criteria: Invitae Variant Classification Sherloc (09022015). Collection method: clinical testing. Allele origin: germline.
Comment: This variant has not been reported in the literature in individuals affected with DYSF-related conditions. This sequence change creates a premature translational stop signal (p.Lys32Argfs*11) in the DYSF gene. It is expected to result in an absent or disrupted protein product. Loss-of-function variants in DYSF are known to be pathogenic (PMID: 17698709, 20301480). This variant is not present in population databases (gnomAD no frequency). For these reasons, this variant has been classified as Pathogenic.

Literature cited by the submitters: PubMed 17698709 (cited by Labcorp Genetics (formerly Invitae), Labcorp); PubMed 20301480 (cited by Labcorp Genetics (formerly Invitae), Labcorp).

NM_001130987.2(DYSF):c.98del (p.Lys33fs)

Gene: DYSF (dysferlin; plus strand). Cytogenetic location: 2p13.2.
Variant type: Deletion.
Coding change: c.98del on transcript NM_001130987.2 (MANE Select); coding-DNA position 98, one base deleted (A; older notation c.98delA).
Protein change: p.Lys33fs; shifts the reading frame from lysine 33.
Molecular consequence: frameshift variant.
Genome position (GRCh38, 1-based): chr2:71,480,889, A deleted; the last of 2 consecutive A bases (chr2:71,480,888-71,480,889); deleting either gives the same sequence. VCF-style (leftmost placement, unchanged base first): chr2-71480887-GA-G. GRCh37 (hg19) VCF-style: chr2-71708017-GA-G.
Other names: c.98del, p.Lys33fs (NM_001130455.2, NM_001130982.2, NM_001130983.2 and 3 more transcripts); c.95del, p.Lys32fs (NM_001130976.2, NM_001130977.2, NM_001130978.2 and 4 more transcripts); short protein forms K33fs, K32fs.
Identifiers: ClinVar variation 3001552 (VCV003001552.4), dbSNP rs2467168114, ClinGen allele CA2740095639.